The following is an entry in ClinVar:

ClinVar aggregate classification (germline): Uncertain significance (1 of 4 stars; one submission).

Conditions:
Aortic aneurysm, familial thoracic 7 (AAT7). Also called: AORTIC DISSECTION, FAMILIAL, WITH OR WITHOUT AORTIC ANEURYSM. Identifiers: MedGen C3151077, MONDO:0013418, OMIM 613780.

Submission:

Labcorp Genetics (formerly Invitae), Labcorp
Classification: Uncertain significance for Aortic aneurysm, familial thoracic 7. Last evaluated: 2025-02-08. Review status: criteria provided, single submitter. Criteria: Invitae Variant Classification Sherloc (09022015). Collection method: clinical testing. Allele origin: germline.
Comment: This sequence change replaces valine, which is neutral and non-polar, with methionine, which is neutral and non-polar, at codon 938 of the MYLK protein (p.Val938Met). This variant is not present in population databases (gnomAD no frequency). This variant has not been reported in the literature in individuals affected with MYLK-related conditions. Invitae Evidence Modeling of protein sequence and biophysical properties (such as structural, functional, and spatial information, amino acid conservation, physicochemical variation, residue mobility, and thermodynamic stability) indicates that this missense variant is not expected to disrupt MYLK protein function with a negative predictive value of 80%. In summary, the available evidence is currently insufficient to determine the role of this variant in disease. Therefore, it has been classified as a Variant of Uncertain Significance.

NM_053025.4(MYLK):c.2812G>A (p.Val938Met)

Gene: MYLK (myosin light chain kinase; minus strand). Cytogenetic location: 3q21.1.
Variant type: single nucleotide variant.
Coding change: c.2812G>A on transcript NM_053025.4 (MANE Select); coding-DNA position 2812, G replaced by A.
Protein change: p.Val938Met; replaces valine 938 with methionine.
Molecular consequence: missense variant.
Genome position (GRCh38, 1-based): chr3:123,700,656, C>T on the plus strand (G>A on the coding strand, the complement: MYLK is on the minus strand). VCF-style: chr3-123700656-C-T. GRCh37 (hg19) VCF-style: chr3-123419503-C-T.
Other names: c.2284G>A, p.Val762Met (NM_001321309.2); c.2605G>A, p.Val869Met (NM_053026.4, NM_053028.4); c.2812G>A, p.Val938Met (NM_053027.4); short protein forms V869M, V938M, V762M.
Identifiers: ClinVar variation 4773701 (VCV004773701.1).
Genomic context (GRCh38, chr3:123,700,656, plus strand): 5'-CCAGGACAGAGCGAAAATCGACCTGCTGGGGGCTGTGCACCTTCCTCTCTTCCTCAGACA[C>T]AGTCTTTGGCTTCACTTGCCGCTGCAGGTTGGCACGGAAATCCATCTGCTCGGCTGGGAT-3'
Protein context (NP_444253.3, residues 928-948): NLQRQVKPKT[Val938Met]SEEERKVHSP